The following is an entry in ClinVar:

ClinVar aggregate classification (germline): Likely pathogenic (0 of 4 stars; one submission).

Conditions:
SOX4-related disorder. Also called: SOX4-related condition.

Submission:

PreventionGenetics, part of Exact Sciences
Classification: Likely pathogenic for SOX4-related condition. Last evaluated: 2023-12-14. Review status: no assertion criteria provided. Collection method: clinical testing. Allele origin: germline.
Comment: The SOX4 c.780_781delCA variant is predicted to result in premature protein termination (p.Tyr260*). To our knowledge, this variant has not been reported in the literature or in a large population database, indicating it is rare. A small number of chain-terminating variants downstream of this position have been reported in association with intellectual disability and developmental delay (residues 325-445; Angelozzi et al. 2022. PubMed ID: 35232796). This variant is interpreted as likely pathogenic.

NM_003107.3(SOX4):c.780_781del (p.Tyr260_Lys261delinsTer)

Genes: SOX4 (SRY-box transcription factor 4; plus strand), LOC129995965 (ATAC-STARR-seq lymphoblastoid silent region 16985; plus strand). Cytogenetic location: 6p22.3.
Variant type: Deletion.
Coding change: c.780_781del on transcript NM_003107.3 (MANE Select); coding-DNA positions 780 to 781, 2 bases deleted (CA; older notation c.780_781delCA).
Protein change: p.Tyr260_Lys261delinsTer.
Molecular consequence: nonsense.
Genome position (GRCh38, 1-based): chr6:21,595,314-21,595,315, CA deleted; deleting any 2 consecutive bases within chr6:21,595,313-21,595,315 gives the same sequence; the c. name uses the placement nearest the transcript's 3' end. VCF-style (leftmost placement, unchanged base first): chr6-21595312-TAC-T. GRCh37 (hg19) VCF-style: chr6-21595543-TAC-T.
Identifiers: ClinVar variation 3031378 (VCV003031378.2), dbSNP rs2532640592, ClinGen allele CA2740094271.